The following is an entry in ClinVar:

ClinVar aggregate classification (germline): Likely pathogenic (1 of 4 stars; one submission).

Conditions:
Familial hypokalemia-hypomagnesemia (GTLMNS). Also called: POTASSIUM AND MAGNESIUM DEPLETION; HYPOMAGNESEMIA-HYPOKALEMIA, PRIMARY RENOTUBULAR, WITH HYPOCALCIURIA; gitelman syndrome. Identifiers: Orphanet 358, MedGen C0268450, MONDO:0009904, OMIM 263800.

Submission:

Natera, Inc.
Classification: Likely pathogenic for Gitelman syndrome. Last evaluated: 2025-09-26. Review status: criteria provided, single submitter. Criteria: Natera Variant Classification Schema (03/2026). Collection method: clinical testing. Allele origin: germline.
Comment: The c.2092A>T variant in SLC12A3 is a nonsense variant predicted to introduce a stop codon at amino acid 698. This variant is expected to result in nonsense mediated decay, truncation, or a dysfunctional protein product. This variant is rare in the general population with a frequency below the threshold expected for the associated phenotype(s). Given the available evidence, this variant is classified as Likely Pathogenic.

NM_001126108.2(SLC12A3):c.2092A>T (p.Lys698Ter)

Gene: SLC12A3 (solute carrier family 12 member 3; plus strand). Cytogenetic location: 16q13.
Variant type: single nucleotide variant.
Coding change: c.2092A>T on transcript NM_001126108.2 (MANE Select); coding-DNA position 2092, A replaced by T.
Protein change: p.Lys698Ter; replaces lysine 698 with a stop codon.
Molecular consequence: nonsense.
Genome position (GRCh38, 1-based): chr16:56,887,007, A>T. VCF-style: chr16-56887007-A-T. GRCh37 (hg19) VCF-style: chr16-56920919-A-T.
Other names: c.2092A>T, p.Lys698Ter (NM_000339.3); c.2089A>T, p.Lys697Ter (NM_001126107.2, NM_001410896.1); short protein forms K697*, K698*.
Identifiers: ClinVar variation 4818199 (VCV004818199.1).